The following is an entry in ClinVar:

ClinVar aggregate classification (germline): Uncertain significance (1 of 4 stars; one submission).

Conditions:
Inborn genetic diseases. Identifiers: MedGen C0950123, MeSH D030342.

Allele frequency attached by ClinVar (database versions not stated): TOPMed below 0.00001; gnomAD 0.00001.
gnomAD v4.1: 17 of 1,613,506 alleles (0.0011%); highest among the groups gnomAD compares: Non-Finnish European, 0.0014%; no homozygotes.

Submission:

Ambry Genetics
Classification: Uncertain significance for Inborn genetic diseases. Last evaluated: 2024-03-21. Review status: criteria provided, single submitter. Criteria: Ambry Variant Classification Scheme 2023. Collection method: clinical testing. Allele origin: germline.
Comment: The p.L1237F variant (also known as c.3711G>C), located in coding exon 27 of the LRRK2 gene, results from a G to C substitution at nucleotide position 3711. The leucine at codon 1237 is replaced by phenylalanine, an amino acid with highly similar properties. This amino acid position is conserved. In addition, this alteration is predicted to be tolerated by in silico analysis. Since supporting evidence is limited at this time, the clinical significance of this alteration remains unclear.

NM_198578.4(LRRK2):c.3711G>C (p.Leu1237Phe)

Gene: LRRK2 (leucine rich repeat kinase 2; plus strand). Cytogenetic location: 12q12.
Variant type: single nucleotide variant.
Coding change: c.3711G>C on transcript NM_198578.4 (MANE Select); coding-DNA position 3711, G replaced by C.
Protein change: p.Leu1237Phe; replaces leucine 1237 with phenylalanine.
Molecular consequence: missense variant.
Genome position (GRCh38, 1-based): chr12:40,304,068, G>C. VCF-style: chr12-40304068-G-C. GRCh37 (hg19) VCF-style: chr12-40697870-G-C.
Other names: short protein forms L1237F.
Identifiers: ClinVar variation 1734205 (VCV001734205.2), dbSNP rs1045219689, ClinGen allele CA235351879.
Genomic context (GRCh38, chr12:40,304,068, plus strand): 5'-GAAATCTTTGAACTTAAGGGAACTCTTATTTAGCCATAATCAGATCAGCATCTTGGACTT[G>C]AGTGAAAAAGCATATTTATGGTCTAGAGTAGAGAAACTGCATCTTTCTCACAATAAACTG-3'
Protein context (NP_940980.4, residues 1227-1247): FSHNQISILD[Leu1237Phe]SEKAYLWSRV